The following is an entry in ClinVar:

ClinVar aggregate classification (germline): Pathogenic (1 of 4 stars; one submission).

Conditions:
Hereditary breast ovarian cancer syndrome. Also called: Hereditary breast and ovarian cancer syndrome (HBOC); Breast and ovarian cancer; Hereditary breast and/or ovarian cancer syndrome; BRCA1- and BRCA2-Associated Hereditary Breast and Ovarian Cancer; Hereditary breast and ovarian cancer syndrome; Hereditary breast and ovarian cancer. Identifiers: Orphanet 145, MedGen C0677776, MeSH D061325, MONDO:0003582. Disease mechanism: loss of function.

Submission:

Labcorp Genetics (formerly Invitae), Labcorp
Classification: Pathogenic for Hereditary breast ovarian cancer syndrome. Last evaluated: 2022-09-04. Review status: criteria provided, single submitter. Criteria: Invitae Variant Classification Sherloc (09022015). Collection method: clinical testing. Allele origin: germline.
Comment: For these reasons, this variant has been classified as Pathogenic. This variant disrupts a region of the BRCA1 protein in which other variant(s) (p.Cys64Arg) have been determined to be pathogenic (PMID: 8875986, 11462239, 14531499, 21042765, 24249303, 24516540, 27741520). This suggests that this is a clinically significant region of the protein, and that variants that disrupt it are likely to be disease-causing. This variant has not been reported in the literature in individuals affected with BRCA1-related conditions. This variant is a gross deletion of the genomic region encompassing exon(s) 4-13 of the BRCA1 gene. This variant would be expected to be in-frame, preserving the integrity of the reading frame.

Literature cited by the submitters: PubMed 8875986; PubMed 11462239; PubMed 14531499; PubMed 21042765; PubMed 24249303; PubMed 24516540; PubMed 27741520.

NC_000017.10:g.(?_41228485)_(41258570_?)del

Gene: BRCA1 (BRCA1 DNA repair associated; minus strand). Cytogenetic location: 17q21.31.
Variant type: Deletion.
Identifiers: ClinVar variation 1066374 (VCV001066374.3).